The following is an entry in ClinVar:

NM_001267550.2(TTN):c.21006del (p.Ser7003fs)

Genes: TTN (titin; minus strand), LOC126806428 (BRD4-independent group 4 enhancer GRCh37_chr2:179588362-179589561; plus strand). Cytogenetic location: 2q31.2.
Variant type: Deletion.
Coding change: c.21006del on transcript NM_001267550.2 (MANE Select); coding-DNA position 21006, one base deleted (C; older notation c.21006delC).
Protein change: p.Ser7003fs; shifts the reading frame from serine 7003.
Molecular consequence: frameshift variant. On other transcripts: intron variant (3).
Genome position (GRCh38, 1-based): chr2:178,724,369, G deleted on the plus strand (C on the coding strand, the reverse complement: TTN is on the minus strand). VCF-style (leftmost placement, unchanged base first): chr2-178724368-AG-A. GRCh37 (hg19) VCF-style: chr2-179589095-AG-A.
Other names: c.20055del, p.Ser6686fs (NM_001256850.1); c.17274del, p.Ser5759fs (NM_133378.4); c.13282+13713del (NM_003319.4); c.13858+13713del (NM_133437.4); c.13657+13713del (NM_133432.3); short protein forms S5759fs, S6686fs, S7003fs.
Identifiers: ClinVar variation 2017270 (VCV002017270.4), dbSNP rs2529622989, ClinGen allele CA2580065115.

ClinVar aggregate classification (germline): Likely pathogenic (1 of 4 stars; one submission).

Conditions:
Autosomal recessive limb-girdle muscular dystrophy type 2J (LGMDR10). Also called: Limb-girdle muscular dystrophy, type 2J; MUSCULAR DYSTROPHY, LIMB-GIRDLE, AUTOSOMAL RECESSIVE 10. Identifiers: Orphanet 140922, MedGen C1837342, MONDO:0012127, OMIM 608807.
Dilated cardiomyopathy 1G (CMD1G). Identifiers: Orphanet 154, MedGen C1858763, MONDO:0011400, OMIM 604145.

Submission:

Labcorp Genetics (formerly Invitae), Labcorp
Classification: Likely pathogenic for Dilated cardiomyopathy 1G; Autosomal recessive limb-girdle muscular dystrophy type 2J. Last evaluated: 2024-10-18. Review status: criteria provided, single submitter. Criteria: Invitae Variant Classification Sherloc (09022015). Collection method: clinical testing. Allele origin: germline.
Comment: This sequence change creates a premature translational stop signal (p.Ser7003Leufs*3) in the TTN gene. While this is not anticipated to result in nonsense mediated decay, it is expected to create a truncated TTN protein. This variant is not present in population databases (gnomAD no frequency). This variant has not been reported in the literature in individuals affected with TTN-related conditions. ClinVar contains an entry for this variant (Variation ID: 2017270). This variant is located in the I band of TTN (PMID: 25589632). Truncating variants in this region have been reported in individuals affected with autosomal recessive centronuclear myopathy (PMID: 23975875, internal data). Truncating variants in this region have also been identified in individuals affected with autosomal dominant dilated cardiomyopathy and/or cardio-related conditions (PMID: 27869827, 32964742, internal data). In summary, the currently available evidence indicates that the variant is pathogenic, but additional data are needed to prove that conclusively. Therefore, this variant has been classified as Likely Pathogenic.

Literature cited by the submitters: PubMed 25589632; PubMed 23975875; PubMed 27869827; PubMed 32964742.